The following is an entry in ClinVar:

ClinVar aggregate classification (germline): Likely benign (0 of 4 stars; one submission).

Conditions:
DAO-related disorder. Also called: DAO-related condition.

Allele frequency attached by ClinVar (database versions not stated): TOPMed 0.00023; gnomAD 0.00029; gnomAD exomes 0.00033; ESP Exome Variant Server 0.00046; 1000 Genomes Project 30x 0.00047; ExAC 0.00051; 1000 Genomes Project 0.00060.
gnomAD v4.1: 546 of 1,613,112 alleles (0.034%); highest among the groups gnomAD compares: South Asian, 0.21%; 4 homozygotes.

Submission:

PreventionGenetics, part of Exact Sciences
Classification: Likely benign for DAO-related condition. Last evaluated: 2024-01-09. Review status: no assertion criteria provided. Collection method: clinical testing. Allele origin: germline.
Comment: This variant is classified as likely benign based on ACMG/AMP sequence variant interpretation guidelines (Richards et al. 2015 PMID: 25741868, with internal and published modifications).

NM_001917.5(DAO):c.596G>A (p.Arg199Gln)

Gene: DAO (D-amino acid oxidase; plus strand). Cytogenetic location: 12q24.11.
Variant type: single nucleotide variant.
Coding change: c.596G>A on transcript NM_001917.5 (MANE Select); coding-DNA position 596, G replaced by A.
Protein change: p.Arg199Gln; replaces arginine 199 with glutamine.
Molecular consequence: missense variant.
Genome position (GRCh38, 1-based): chr12:108,894,351, G>A. VCF-style: chr12-108894351-G-A. GRCh37 (hg19) VCF-style: chr12-109288127-G-A.
Other names: c.596G>A, p.Arg199Gln (NM_001413634.1, NM_001413635.1); short protein forms R199Q.
Identifiers: ClinVar variation 3045347 (VCV003045347.2), dbSNP rs200850756, ClinGen allele CA6771156.